The following is an entry in ClinVar:

NM_003742.4(ABCB11):c.2995T>C (p.Ser999Pro)

Gene: ABCB11 (ATP binding cassette subfamily B member 11; minus strand). Cytogenetic location: 2q31.1.
Variant type: single nucleotide variant.
Coding change: c.2995T>C on transcript NM_003742.4 (MANE Select); coding-DNA position 2995, T replaced by C.
Protein change: p.Ser999Pro; replaces serine 999 with proline.
Molecular consequence: missense variant.
Genome position (GRCh38, 1-based): chr2:168,935,245, A>G on the plus strand (T>C on the coding strand, the complement: ABCB11 is on the minus strand). VCF-style: chr2-168935245-A-G. GRCh37 (hg19) VCF-style: chr2-169791755-A-G.
Other names: short protein forms S999P.
Identifiers: ClinVar variation 4846182 (VCV004846182.1).
Genomic context (GRCh38, chr2:168,935,245, plus strand): 5'-TGAACACATAGCTGAAATGGAGCCCCTCATTGGAGATTAAGTAACCTCCATATCTGTAGG[A>G]AGCAGAATTCGCAATAAACATGATGCACTGGGCAAAGGCAAAGCAGAATCCGTAAATATT-3'
Protein context (NP_003733.2, residues 989-1009): QCIMFIANSA[Ser999Pro]YRYGGYLISN

ClinVar aggregate classification (germline): Uncertain significance (1 of 4 stars; one submission).

Conditions:
Familial intrahepatic cholestasis. Identifiers: Orphanet 284385, MedGen CN296401, MONDO:0017290.

Submission:

Genomenon, Inc
Classification: Uncertain significance for Familial intrahepatic cholestasis. Last evaluated: 2026-04-14. Review status: criteria provided, single submitter. Criteria: Genomenon Sequence Variant Interpretation Standards - Updated. Collection method: curation. Allele origin: germline. Affected: yes.
Comment: ABCB11 p.Ser999Pro (c.2995T>C) is a missense variant that changes the amino acid at residue 999 from Serine to Proline. This variant has been observed in at least one individual with transient neonatal cholestasis (PMID:32808743). It is absent or not present at a significant frequency in gnomAD. In silico models predict that this variant is possibly or probably damaging. In conclusion, we classify ABCB11 p.Ser999Pro (c.2995T>C) as a variant of uncertain significance.

Literature cited by the submitters: PubMed 32808743.